The following is an entry in ClinVar:

NM_001243925.2(MAPKAPK3):c.916-3C>T

Gene: MAPKAPK3 (MAPK activated protein kinase 3; plus strand). Cytogenetic location: 3p21.2.
Variant type: single nucleotide variant.
Coding change: c.916-3C>T on transcript NM_001243925.2 (MANE Select); 3 bases into the intron before coding-DNA position 916, C replaced by T.
Molecular consequence: intron variant.
Genome position (GRCh38, 1-based): chr3:50,647,120, C>T. VCF-style: chr3-50647120-C-T. GRCh37 (hg19) VCF-style: chr3-50684551-C-T.
Other names: c.916-3C>T (NM_001243926.2, NM_004635.5).
Identifiers: ClinVar variation 3627042 (VCV003627042.2).
Genomic context (GRCh38, chr3:50,647,120, plus strand): 5'-GGGGAACCAGTGCTGTCCCAGGTGCCTCCAGTTTCTAATCCACGGGCGTGGGGCTCCTTC[C>T]AGCAATCGATGGTAGTGCCACAGACCCCACTCCACACGGCCCGAGTGCTGCAGGAGGACA-3'

ClinVar aggregate classification (germline): Uncertain significance (1 of 4 stars; one submission).

Submission:

Labcorp Genetics (formerly Invitae), Labcorp
Classification: Uncertain significance. Last evaluated: 2024-09-28. Review status: criteria provided, single submitter. Criteria: Invitae Variant Classification Sherloc (09022015). Collection method: clinical testing. Allele origin: germline.
Comment: This sequence change falls in intron 11 of the MAPKAPK3 gene. It does not directly change the encoded amino acid sequence of the MAPKAPK3 protein. It affects a nucleotide within the consensus splice site. This variant is not present in population databases (gnomAD no frequency). This variant has not been reported in the literature in individuals affected with MAPKAPK3-related conditions. Variants that disrupt the consensus splice site are a relatively common cause of aberrant splicing (PMID: 17576681, 9536098). Algorithms developed to predict the effect of sequence changes on RNA splicing suggest that this variant is not likely to affect RNA splicing. In summary, the available evidence is currently insufficient to determine the role of this variant in disease. Therefore, it has been classified as a Variant of Uncertain Significance.

Literature cited by the submitters: PubMed 17576681; PubMed 9536098.